The following is an entry in ClinVar:

ClinVar aggregate classification (germline): Uncertain significance (1 of 4 stars; one submission).

gnomAD v4.1: 3 of 1,613,704 alleles (0.00019%); highest among the groups gnomAD compares: East Asian, 0.0022%; no homozygotes.

Submission:

GeneDx
Classification: Uncertain significance. Last evaluated: 2025-11-18. Review status: criteria provided, single submitter. Criteria: GeneDx Variant Classification Process June 2021. Collection method: clinical testing. Allele origin: germline.
Comment: Not observed at significant frequency in large population cohorts (gnomAD); In silico analysis supports that this missense variant has a deleterious effect on protein structure/function; Has not been previously published as pathogenic or benign to our knowledge

NM_004667.6(HERC2):c.9304C>T (p.Arg3102Trp)

Gene: HERC2 (HECT and RLD domain containing E3 ubiquitin protein ligase 2; minus strand). Cytogenetic location: 15q13.1.
Variant type: single nucleotide variant.
Coding change: c.9304C>T on transcript NM_004667.6 (MANE Select); coding-DNA position 9304, C replaced by T.
Protein change: p.Arg3102Trp; replaces arginine 3102 with tryptophan.
Molecular consequence: missense variant.
Genome position (GRCh38, 1-based): chr15:28,177,078, G>A on the plus strand (C>T on the coding strand, the complement: HERC2 is on the minus strand). VCF-style: chr15-28177078-G-A. GRCh37 (hg19) VCF-style: chr15-28422224-G-A.
Other names: short protein forms R3102W.
Identifiers: ClinVar variation 3360923 (VCV003360923.2).